The following is an entry in ClinVar:

ClinVar aggregate classification (germline): Likely benign. Review status: criteria provided, single submitter (1 of 4 stars). 2 submissions from 2 submitters: Likely benign (1). 1 of the submissions does not count toward it. Last evaluated 2024-02-05.

Conditions:
Rubinstein-Taybi syndrome due to EP300 haploinsufficiency. Also called: RUBINSTEIN-TAYBI SYNDROME 2; EP300-Related Rubinstein-Taybi Syndrome. Identifiers: Orphanet 353284, Orphanet 783, MedGen C3150941, MONDO:0013364, OMIM 613684.
EP300-related disorder. Also called: EP300-related condition; EP300-related disorders.

Submissions (2):

Labcorp Genetics (formerly Invitae), Labcorp
Classification: Likely benign for Rubinstein-Taybi syndrome due to EP300 haploinsufficiency. Last evaluated: 2024-02-05. Review status: criteria provided, single submitter. Criteria: Invitae Variant Classification Sherloc (09022015). Collection method: clinical testing. Allele origin: germline.

PreventionGenetics, part of Exact Sciences
Classification: Likely benign for EP300-related condition. Last evaluated: 2024-07-11. Review status: no assertion criteria provided. Collection method: clinical testing. Allele origin: germline. Not counted in ClinVar's aggregate classification.
Comment: This variant is classified as likely benign based on ACMG/AMP sequence variant interpretation guidelines (Richards et al. 2015 PMID: 25741868, with internal and published modifications).

NM_001429.4(EP300):c.4668C>T (p.Thr1556=)

Gene: EP300 (EP300 lysine acetyltransferase; plus strand). Cytogenetic location: 22q13.2.
Variant type: single nucleotide variant.
Coding change: c.4668C>T on transcript NM_001429.4 (MANE Select); coding-DNA position 4668, C replaced by T.
Protein change: p.Thr1556=; no amino-acid change (threonine 1556 retained).
Molecular consequence: synonymous variant.
Genome position (GRCh38, 1-based): chr22:41,173,673, C>T. VCF-style: chr22-41173673-C-T. GRCh37 (hg19) VCF-style: chr22-41569677-C-T.
Other names: c.4668C>T (NM_001429.3); c.4590C>T, p.Thr1530= (NM_001362843.2).
Identifiers: ClinVar variation 3015549 (VCV003015549.4), dbSNP rs2517827930, ClinGen allele CA514650658.